The following is an entry in ClinVar:

NM_000355.4(TCN2):c.428-4T>C

Gene: TCN2 (transcobalamin 2; plus strand). Cytogenetic location: 22q12.2.
Variant type: single nucleotide variant.
Coding change: c.428-4T>C on transcript NM_000355.4 (MANE Select); 4 bases into the intron before coding-DNA position 428, T replaced by C.
Molecular consequence: intron variant.
Genome position (GRCh38, 1-based): chr22:30,614,345, T>C. VCF-style: chr22-30614345-T-C. GRCh37 (hg19) VCF-style: chr22-31010332-T-C.
Other names: c.347-4T>C (NM_001184726.2).
Identifiers: ClinVar variation 341194 (VCV000341194.19), dbSNP rs201408393, ClinGen allele CA10184666.

ClinVar aggregate classification (germline): Conflicting classifications of pathogenicity. Review status: criteria provided, conflicting classifications (1 of 4 stars). 5 submissions from 5 submitters: Uncertain significance (1); Benign (1); Likely benign (2). 1 of the submissions does not count toward it. Last evaluated 2026-01-11.

Conditions:
TCN2-related disorder. Also called: TCN2-related condition.
Transcobalamin II deficiency (TCN2D). Also called: TC II DEFICIENCY; TCN2 DEFICIENCY; Transcolabamin II deficiency. Identifiers: Orphanet 859, MedGen C0342701, MONDO:0010149, OMIM 275350.

Allele frequency attached by ClinVar (database versions not stated): gnomAD exomes 0.00013 and 0.00027; ExAC 0.00031; 1000 Genomes Project 0.00080; 1000 Genomes Project 30x 0.00094; gnomAD 0.00122 and 0.00134; TOPMed 0.00134; ESP Exome Variant Server 0.00161.

Submissions (5):

Labcorp Genetics (formerly Invitae), Labcorp
Classification: Benign for Transcobalamin II deficiency. Last evaluated: 2026-01-11. Review status: criteria provided, single submitter. Criteria: Invitae Variant Classification Sherloc (09022015). Collection method: clinical testing. Allele origin: germline.

ARUP Laboratories, Molecular Genetics and Genomics, ARUP Laboratories
Classification: Likely benign for Transcobalamin II deficiency. Last evaluated: 2025-06-03. Review status: criteria provided, single submitter. Criteria: ARUP Molecular Germline Variant Investigation Process 2024. Collection method: clinical testing. Allele origin: germline.

Blueprint Genetics
Classification: Likely benign. Last evaluated: 2024-11-15. Review status: criteria provided, single submitter. Criteria: ACMG Guidelines, 2015. Collection method: clinical testing. Allele origin: germline.

Illumina Laboratory Services, Illumina
Classification: Uncertain significance for Transcobalamin II deficiency. Last evaluated: 2018-01-13. Review status: criteria provided, single submitter. Criteria: ICSL Variant Classification Criteria 13 December 2019. Collection method: clinical testing. Allele origin: germline.

PreventionGenetics, part of Exact Sciences
Classification: Likely benign for TCN2-related condition. Last evaluated: 2019-07-14. Review status: no assertion criteria provided. Collection method: clinical testing. Allele origin: germline. Not counted in ClinVar's aggregate classification.
Comment: This variant is classified as likely benign based on ACMG/AMP sequence variant interpretation guidelines (Richards et al. 2015 PMID: 25741868, with internal and published modifications).